The following is an entry in ClinVar:

NC_000009.11:g.(?_138683623)_(138684007_?)dup

Gene: KCNT1 (potassium sodium-activated channel subfamily T member 1; plus strand). Cytogenetic location: 9q34.3.
Variant type: Duplication.
Identifiers: ClinVar variation 3245257 (VCV003245257.1).

ClinVar aggregate classification (germline): Uncertain significance (1 of 4 stars; one submission).

Conditions:
Developmental and epileptic encephalopathy, 14 (DEE14). Also called: Early infantile epileptic encephalopathy 14. Identifiers: Orphanet 293181, MedGen C3554195, MONDO:0013989, OMIM 614959.
Autosomal dominant nocturnal frontal lobe epilepsy 5. Also called: Epilepsy, nocturnal frontal lobe, 5; KCNT1-Related Epilepsy; CILIARY DYSKINESIA, PRIMARY, 28, WITHOUT SITUS INVERSUS; CILIARY DYSKINESIA, PRIMARY, 28, WITH SITUS INVERSUS. Identifiers: Orphanet 98784, MedGen C3554306, MONDO:0014002, OMIM 615005.

Submission:

Labcorp Genetics (formerly Invitae), Labcorp
Classification: Uncertain significance for Autosomal dominant nocturnal frontal lobe epilepsy 5; Developmental and epileptic encephalopathy, 14. Last evaluated: 2023-10-16. Review status: criteria provided, single submitter. Criteria: Invitae Variant Classification Sherloc (09022015). Collection method: clinical testing. Allele origin: unknown.
Comment: This variant results in a copy number gain of the genomic region encompassing exon(s) 30-31 of the KCNT1 gene. This region includes the termination codon of the gene. This copy number gain extends beyond the assayed region for this gene and therefore may encompass additional genes. As the precise location of this event is unknown, it may be in tandem or it may be located elsewhere in the genome. This variant has not been reported in the literature in individuals affected with KCNT1-related conditions. In summary, the available evidence is currently insufficient to determine the role of this variant in disease. Therefore, it has been classified as a Variant of Uncertain Significance.